The following is an entry in ClinVar:

NM_014727.3(KMT2B):c.1212G>A (p.Pro404=)

Gene: KMT2B (lysine methyltransferase 2B; plus strand). Cytogenetic location: 19q13.12.
Variant type: single nucleotide variant.
Coding change: c.1212G>A on transcript NM_014727.3 (MANE Select); coding-DNA position 1212, G replaced by A.
Protein change: p.Pro404=; no amino-acid change (proline 404 retained).
Molecular consequence: synonymous variant.
Genome position (GRCh38, 1-based): chr19:35,720,559, G>A. VCF-style: chr19-35720559-G-A. GRCh37 (hg19) VCF-style: chr19-36211461-G-A.
Identifiers: ClinVar variation 1599858 (VCV001599858.33), dbSNP rs574300657, ClinGen allele CA9384195.

ClinVar aggregate classification (germline): Benign/Likely benign. Review status: criteria provided, multiple submitters, no conflicts (2 of 4 stars). 3 submissions from 3 submitters: Benign (1); Likely benign (2). Last evaluated 2025-12-15.

Allele frequency attached by ClinVar (database versions not stated): ExAC 0.00012; gnomAD exomes 0.00027; TOPMed 0.00029; gnomAD 0.00042 and 0.00046.
gnomAD v4.1: 903 of 1,545,124 alleles (0.058%); highest among the groups gnomAD compares: Non-Finnish European, 0.076%; 1 homozygote.

Submissions (3):

Labcorp Genetics (formerly Invitae), Labcorp
Classification: Benign. Last evaluated: 2025-12-15. Review status: criteria provided, single submitter. Criteria: Invitae Variant Classification Sherloc (09022015). Collection method: clinical testing. Allele origin: germline.

Blueprint Genetics
Classification: Likely benign. Last evaluated: 2024-11-06. Review status: criteria provided, single submitter. Criteria: ACMG Guidelines, 2015. Collection method: clinical testing. Allele origin: germline.

CeGaT Center for Human Genetics Tuebingen
Classification: Likely benign. Last evaluated: 2022-05-01. Review status: criteria provided, single submitter. Criteria: CeGaT Center For Human Genetics Tuebingen Variant Classification Criteria Version 2. Collection method: clinical testing. Allele origin: germline. Affected: yes. Observed: 1 variant allele.
Comment: KMT2B: BP4, BP7